The following is an entry in ClinVar:

NM_005592.4(MUSK):c.182G>A (p.Trp61Ter)

Gene: MUSK (muscle associated receptor tyrosine kinase; plus strand). Cytogenetic location: 9q31.3.
Variant type: single nucleotide variant.
Coding change: c.182G>A on transcript NM_005592.4 (MANE Select); coding-DNA position 182, G replaced by A.
Protein change: p.Trp61Ter; replaces tryptophan 61 with a stop codon.
Molecular consequence: nonsense.
Genome position (GRCh38, 1-based): chr9:110,682,776, G>A. VCF-style: chr9-110682776-G-A. GRCh37 (hg19) VCF-style: chr9-113445056-G-A.
Other names: c.182G>A, p.Trp61Ter (NM_001166280.2, NM_001166281.2); short protein forms W61*.
Identifiers: ClinVar variation 5007373 (VCV005007373.2).

ClinVar aggregate classification (germline): Likely pathogenic (1 of 4 stars; one submission).

Conditions:
Congenital myasthenic syndrome 9. Also called: Myasthenic syndrome, congenital, 9, associated with acetylcholine receptor deficiency. Identifiers: Orphanet 590, MedGen C4225368, MONDO:0014587, OMIM 616325.
Fetal akinesia deformation sequence 1 (FADS1). Also called: Fetal akinesia sequence; Pena-Shokeir syndrome type I. Identifiers: Orphanet 994, MedGen C1276035, MONDO:0100101, OMIM 208150, HP:0001989.

Submission:

Juno Genomics, Hangzhou Juno Genomics, Inc
Classification: Likely pathogenic for Fetal akinesia deformation sequence 1; Congenital myasthenic syndrome 9. Review status: criteria provided, single submitter. Criteria: ACMG Guidelines, 2015. Collection method: clinical testing. Allele origin: germline.
Comment: Null variant in a gene where loss of function (LOF) is a known mechanism of disease.;Absent from controls (or at extremely low frequency if recessive) in Genome Aggregation Database.